The following is an entry in ClinVar:

ClinVar aggregate classification (germline): Conflicting classifications of pathogenicity. Review status: criteria provided, conflicting classifications (1 of 4 stars). 3 submissions from 2 submitters: Uncertain significance (1); Likely benign (2). Last evaluated 2020-05-20.

Conditions:
Autosomal recessive nonsyndromic hearing loss 31. Also called: WHIRLER, MOUSE, HOMOLOG OF. Identifiers: Orphanet 90636, MedGen C1846839, MONDO:0011767, OMIM 607084.
Usher syndrome type 2D. Also called: USHER SYNDROME, TYPE IID. Identifiers: Orphanet 231178, Orphanet 886, MedGen C1568249, MONDO:0012662, OMIM 611383.

Allele frequency attached by ClinVar (database versions not stated): gnomAD 0.00001 and 0.00060; TOPMed 0.00010; gnomAD exomes 0.00104 and 0.00221; ExAC 0.00269; 1000 Genomes Project 30x 0.00547; 1000 Genomes Project 0.00599.
gnomAD v4.1: 1,607 of 1,612,544 alleles (0.1%); highest among the groups gnomAD compares: South Asian, 1.7%; 22 homozygotes.

Submissions (3):

GeneDx
Classification: Likely benign. Last evaluated: 2020-05-20. Review status: criteria provided, single submitter. Criteria: GeneDx Variant Classification Process June 2021. Collection method: clinical testing. Allele origin: germline. Affected: yes.

Illumina Laboratory Services, Illumina
Classification: Uncertain significance for Autosomal recessive nonsyndromic hearing loss 31. Last evaluated: 2018-01-13. Review status: criteria provided, single submitter. Criteria: ICSL Variant Classification Criteria 13 December 2019. Collection method: clinical testing. Allele origin: germline.

Illumina Laboratory Services, Illumina
Classification: Likely benign for Usher syndrome type 2D. Last evaluated: 2018-01-13. Review status: criteria provided, single submitter. Criteria: ICSL Variant Classification Criteria 13 December 2019. Collection method: clinical testing. Allele origin: germline.
Comment: This variant was observed in the ICSL laboratory as part of a predisposition screen in an ostensibly healthy population. It had not been previously curated by ICSL or reported in the Human Gene Mutation Database (HGMD: prior to June 1st, 2018), and was therefore a candidate for classification through an automated scoring system. Utilizing variant allele frequency, disease prevalence and penetrance estimates, and inheritance mode, an automated score was calculated to assess if this variant is too frequent to cause the disease. Based on the score and internal cut-off values, a variant classified as likely benign is not then subjected to further curation. The score for this variant resulted in a classification of likely benign for this disease.

NM_015404.4(WHRN):c.*37C>G

Gene: WHRN (whirlin; minus strand). Cytogenetic location: 9q32.
Variant type: single nucleotide variant.
Coding change: c.*37C>G on transcript NM_015404.4 (MANE Select); 37 bases downstream of the stop codon, C replaced by G.
Molecular consequence: 3 prime UTR variant.
Genome position (GRCh38, 1-based): chr9:114,402,717, G>C on the plus strand (C>G on the coding strand, the complement: WHRN is on the minus strand). VCF-style: chr9-114402717-G-C. GRCh37 (hg19) VCF-style: chr9-117164997-G-C.
Other names: c.*37C>G (NM_001083885.3, NM_001173425.2, NM_001346890.1).
Identifiers: ClinVar variation 364678 (VCV000364678.7), dbSNP rs549195233, ClinGen allele CA5205541.